The following is an entry in ClinVar:

ClinVar aggregate classification (germline): Uncertain significance (1 of 4 stars; one submission).

Allele frequency attached by ClinVar (database versions not stated): gnomAD exomes below 0.00001.
gnomAD v4.1: 1 of 1,599,780 alleles (0.000063%); no homozygotes.

Submission:

Ambry Genetics
Classification: Uncertain significance. Last evaluated: 2023-06-08. Review status: criteria provided, single submitter. Criteria: Ambry Variant Classification Scheme 2023. Collection method: clinical testing. Allele origin: germline.
Comment: The p.V327M variant (also known as c.979G>A), located in coding exon 11 of the PRKDC gene, results from a G to A substitution at nucleotide position 979. The valine at codon 327 is replaced by methionine, an amino acid with highly similar properties. This amino acid position is conserved. In addition, the in silico prediction for this alteration is inconclusive. Since supporting evidence is limited at this time, the clinical significance of this alteration remains unclear.

NM_006904.7(PRKDC):c.979G>A (p.Val327Met)

Gene: PRKDC (protein kinase, DNA-activated, catalytic subunit; minus strand). Cytogenetic location: 8q11.21.
Variant type: single nucleotide variant.
Coding change: c.979G>A on transcript NM_006904.7 (MANE Select); coding-DNA position 979, G replaced by A.
Protein change: p.Val327Met; replaces valine 327 with methionine.
Molecular consequence: missense variant.
Genome position (GRCh38, 1-based): chr8:47,939,685, C>T on the plus strand (G>A on the coding strand, the complement: PRKDC is on the minus strand). VCF-style: chr8-47939685-C-T. GRCh37 (hg19) VCF-style: chr8-48852245-C-T.
Other names: c.979G>A, p.Val327Met (NM_001081640.2); short protein forms V327M.
Identifiers: ClinVar variation 2561923 (VCV002561923.2), dbSNP rs2551880162, ClinGen allele CA371166850.
Genomic context (GRCh38, chr8:47,939,685, plus strand): 5'-CATAAAACTGCTCCATAAAGTACTGCAGTTTATTTTTATGCATTTCTGCATTTTTCGCCA[C>T]CATATTAGAAACCTGCAAATACATAATATTTATTTTTTTGGAAATATTTAATAGCAATGG-3'
Protein context (NP_008835.5, residues 317-337): ESFLKQVSNM[Val327Met]AKNAEMHKNK